The following is an entry in ClinVar:

NM_018191.4(RCBTB1):c.623A>G (p.Asn208Ser)

Gene: RCBTB1 (RCC1 and BTB domain containing protein 1; minus strand). Cytogenetic location: 13q14.2.
Variant type: single nucleotide variant.
Coding change: c.623A>G on transcript NM_018191.4 (MANE Select); coding-DNA position 623, A replaced by G.
Protein change: p.Asn208Ser; replaces asparagine 208 with serine.
Molecular consequence: missense variant. On other transcripts: non-coding transcript variant (2).
Genome position (GRCh38, 1-based): chr13:49,552,266, T>C on the plus strand (A>G on the coding strand, the complement: RCBTB1 is on the minus strand). VCF-style: chr13-49552266-T-C. GRCh37 (hg19) VCF-style: chr13-50126402-T-C.
Other names: c.623A>G, p.Asn208Ser (NM_001352500.2, NM_001352501.2, NM_001352502.2 and 3 more transcripts); c.44A>G, p.Asn15Ser (NM_001352506.2); short protein forms N208S, N15S.
Identifiers: ClinVar variation 1358162 (VCV001358162.5), dbSNP rs1471636502, ClinGen allele CA388190979.

ClinVar aggregate classification (germline): Uncertain significance (1 of 4 stars; one submission).

Allele frequency attached by ClinVar (database versions not stated): gnomAD exomes below 0.00001.
gnomAD v4.1: 3 of 1,602,080 alleles (0.00019%); highest among the groups gnomAD compares: Non-Finnish European, 0.00026%; no homozygotes.

Submission:

Labcorp Genetics (formerly Invitae), Labcorp
Classification: Uncertain significance. Last evaluated: 2022-03-10. Review status: criteria provided, single submitter. Criteria: Invitae Variant Classification Sherloc (09022015). Collection method: clinical testing. Allele origin: germline.
Comment: This sequence change replaces asparagine, which is neutral and polar, with serine, which is neutral and polar, at codon 208 of the RCBTB1 protein (p.Asn208Ser). This variant is not present in population databases (gnomAD no frequency). This variant has not been reported in the literature in individuals affected with RCBTB1-related conditions. Algorithms developed to predict the effect of missense changes on protein structure and function (SIFT, PolyPhen-2, Align-GVGD) all suggest that this variant is likely to be disruptive. Algorithms developed to predict the effect of sequence changes on RNA splicing suggest that this variant may create or strengthen a splice site. In summary, the available evidence is currently insufficient to determine the role of this variant in disease. Therefore, it has been classified as a Variant of Uncertain Significance.